The following is an entry in ClinVar:

NM_001267550.2(TTN):c.90994_90997dup (p.Ile30333fs)

Genes: TTN (titin; minus strand), TTN-AS1 (TTN antisense RNA 1; plus strand). Cytogenetic location: 2q31.2.
Variant type: Duplication.
Coding change: c.90994_90997dup on transcript NM_001267550.2 (MANE Select); coding-DNA positions 90994 to 90997, 4 bases duplicated (GTTA; older notation c.90994_90997dupGTTA).
Protein change: p.Ile30333fs; shifts the reading frame from isoleucine 30333.
Molecular consequence: frameshift variant.
Genome position (GRCh38, 1-based): chr2:178,551,903-178,551,906, TAAC duplicated on the plus strand (GTTA on the coding strand, the reverse complement: TTN is on the minus strand); duplicating any 4 consecutive bases within chr2:178,551,903-178,551,907 gives the same sequence; the c. name uses the placement nearest the transcript's 3' end. VCF-style (leftmost placement, unchanged base first): chr2-178551902-A-ATAAC. GRCh37 (hg19) VCF-style: chr2-179416629-A-ATAAC.
Other names: c.86071_86074dup, p.Ile28692fs (NM_001256850.1); c.63799_63802dup, p.Ile21268fs (NM_003319.4); c.83290_83293dup, p.Ile27765fs (NM_133378.4); c.64174_64177dup, p.Ile21393fs (NM_133432.3); c.64375_64378dup, p.Ile21460fs (NM_133437.4); c.90994_90997dupGTTA (NM_001267550.2); short protein forms I21393fs, I30333fs, I21268fs, I27765fs, I28692fs, I21460fs.
Identifiers: ClinVar variation 579058 (VCV000579058.9), dbSNP rs1559200975, ClinGen allele CA891843248.

ClinVar aggregate classification (germline): Likely pathogenic (1 of 4 stars; one submission).

Conditions:
Dilated cardiomyopathy 1G (CMD1G). Identifiers: Orphanet 154, MedGen C1858763, MONDO:0011400, OMIM 604145.
Autosomal recessive limb-girdle muscular dystrophy type 2J (LGMDR10). Also called: Limb-girdle muscular dystrophy, type 2J; MUSCULAR DYSTROPHY, LIMB-GIRDLE, AUTOSOMAL RECESSIVE 10. Identifiers: Orphanet 140922, MedGen C1837342, MONDO:0012127, OMIM 608807.

Submission:

Labcorp Genetics (formerly Invitae), Labcorp
Classification: Likely pathogenic for Dilated cardiomyopathy 1G; Autosomal recessive limb-girdle muscular dystrophy type 2J. Last evaluated: 2018-01-07. Review status: criteria provided, single submitter. Criteria: Invitae Variant Classification Sherloc (09022015). Collection method: clinical testing. Allele origin: germline.
Comment: This sequence change results in a premature translational stop signal in the TTN gene (p.Ile30333Serfs*8). While this is not anticipated to result in nonsense mediated decay, it is expected to create a truncated TTN protein In summary, the currently available evidence indicates that the variant is pathogenic, but additional data are needed to prove that conclusively. Therefore, this variant has been classified as Likely Pathogenic. This variant is found in the A-band of this gene. While this particular variant has not been reported in the literature, truncating variants in the A-band of TTN are significantly overrepresented in patients with dilated cardiomyopathy and are considered to be likely pathogenic for the disease (PMID: 25589632). Truncating variants in TTN have also been reported in individuals affected with autosomal recessive centronuclear myopathy (PMID: 23975875)

Literature cited by the submitters: PubMed 25589632; PubMed 23975875.